The following is an entry in ClinVar:

ClinVar aggregate classification (germline): Uncertain significance (1 of 4 stars; one submission).

Conditions:
Inborn genetic diseases. Identifiers: MedGen C0950123, MeSH D030342.

gnomAD v4.1: 1 of 1,610,514 alleles (0.000062%); highest among the groups gnomAD compares: Middle Eastern, 0.017%; no homozygotes.

Submission:

Ambry Genetics
Classification: Uncertain significance for Inborn genetic diseases. Last evaluated: 2024-11-23. Review status: criteria provided, single submitter. Criteria: Ambry Variant Classification Scheme 2023. Collection method: clinical testing. Allele origin: germline.
Comment: The p.F380L variant (also known as c.1138T>C), located in coding exon 1 of the SAMD9 gene, results from a T to C substitution at nucleotide position 1138. The phenylalanine at codon 380 is replaced by leucine, an amino acid with highly similar properties. This amino acid position is conserved. In addition, this alteration is predicted to be tolerated by in silico analysis. Based on the available evidence, the clinical significance of this variant remains unclear.

NM_017654.4(SAMD9):c.1138T>C (p.Phe380Leu)

Gene: SAMD9 (sterile alpha motif domain containing 9; minus strand). Cytogenetic location: 7q21.2.
Variant type: single nucleotide variant.
Coding change: c.1138T>C on transcript NM_017654.4 (MANE Select); coding-DNA position 1138, T replaced by C.
Protein change: p.Phe380Leu; replaces phenylalanine 380 with leucine.
Molecular consequence: missense variant.
Genome position (GRCh38, 1-based): chr7:93,104,960, A>G on the plus strand (T>C on the coding strand, the complement: SAMD9 is on the minus strand). VCF-style: chr7-93104960-A-G. GRCh37 (hg19) VCF-style: chr7-92734273-A-G.
Other names: c.1138T>C, p.Phe380Leu (NM_001193307.2); short protein forms F380L.
Identifiers: ClinVar variation 3437023 (VCV003437023.1).